The following is an entry in ClinVar:

ClinVar aggregate classification (germline): Uncertain significance (1 of 4 stars; one submission).

Conditions:
Inborn genetic diseases. Identifiers: MedGen C0950123, MeSH D030342.

Submission:

Ambry Genetics
Classification: Uncertain significance for Inborn genetic diseases. Last evaluated: 2026-05-14. Review status: criteria provided, single submitter. Criteria: Ambry Variant Classification Scheme 2023. Collection method: clinical testing. Allele origin: germline.
Comment: The p.L267F variant (also known as c.801G>T), located in coding exon 7 of the FANCG gene, results from a G to T substitution at nucleotide position 801. The leucine at codon 267 is replaced by phenylalanine, an amino acid with highly similar properties. This amino acid position is conserved. In addition, this alteration is predicted to be tolerated by in silico analysis. Based on the available evidence, the clinical significance of this variant remains unclear.

NM_004629.2(FANCG):c.801G>T (p.Leu267Phe)

Gene: FANCG (FA complementation group G; minus strand). Cytogenetic location: 9p13.3.
Variant type: single nucleotide variant.
Coding change: c.801G>T on transcript NM_004629.2 (MANE Select); coding-DNA position 801, G replaced by T.
Protein change: p.Leu267Phe; replaces leucine 267 with phenylalanine.
Molecular consequence: missense variant.
Genome position (GRCh38, 1-based): chr9:35,076,847, C>A on the plus strand (G>T on the coding strand, the complement: FANCG is on the minus strand). VCF-style: chr9-35076847-C-A. GRCh37 (hg19) VCF-style: chr9-35076844-C-A.
Other names: short protein forms L267F.
Identifiers: ClinVar variation 4870998 (VCV004870998.1).